The following is an entry in ClinVar:

ClinVar aggregate classification (germline): Uncertain significance. Review status: criteria provided, multiple submitters, no conflicts (2 of 4 stars). 2 submissions from 2 submitters: Uncertain significance (2). Last evaluated 2022-07-20.

Conditions:
Inborn genetic diseases. Identifiers: MedGen C0950123, MeSH D030342.

Submissions (2):

Ambry Genetics
Classification: Uncertain significance for Inborn genetic diseases. Last evaluated: 2022-07-20. Review status: criteria provided, single submitter. Criteria: Ambry Variant Classification Scheme 2023. Collection method: clinical testing. Allele origin: germline.

Labcorp Genetics (formerly Invitae), Labcorp
Classification: Uncertain significance. Last evaluated: 2021-10-02. Review status: criteria provided, single submitter. Criteria: Invitae Variant Classification Sherloc (09022015). Collection method: clinical testing. Allele origin: germline.
Comment: This variant has not been reported in the literature in individuals affected with C1S-related conditions. This variant is not present in population databases (ExAC no frequency). This sequence change replaces proline with threonine at codon 505 of the C1S protein (p.Pro505Thr). The proline residue is weakly conserved and there is a small physicochemical difference between proline and threonine. Algorithms developed to predict the effect of missense changes on protein structure and function output the following: SIFT: "Tolerated"; PolyPhen-2: "Benign"; Align-GVGD: "Class C0". The threonine amino acid residue is found in multiple mammalian species, which suggests that this missense change does not adversely affect protein function. In summary, the available evidence is currently insufficient to determine the role of this variant in disease. Therefore, it has been classified as a Variant of Uncertain Significance.

NM_001734.5(C1S):c.1513C>A (p.Pro505Thr)

Gene: C1S (complement C1s; plus strand). Cytogenetic location: 12p13.31.
Variant type: single nucleotide variant.
Coding change: c.1513C>A on transcript NM_001734.5 (MANE Select); coding-DNA position 1513, C replaced by A.
Protein change: p.Pro505Thr; replaces proline 505 with threonine.
Molecular consequence: missense variant.
Genome position (GRCh38, 1-based): chr12:7,070,097, C>A. VCF-style: chr12-7070097-C-A. GRCh37 (hg19) VCF-style: chr12-7177401-C-A.
Other names: c.1513C>A (NM_201442.2); c.1012C>A, p.Pro338Thr (NM_001346850.2); c.1513C>A, p.Pro505Thr (NM_201442.4); short protein forms P505T, P338T.
Identifiers: ClinVar variation 1522224 (VCV001522224.7), dbSNP rs1591582245, ClinGen allele CA383704764.
Genomic context (GRCh38, chr12:7,070,097, plus strand): 5'-ATGTATGTTGGGTCCACCTCAGTGCAGACCTCACGGCTGGCAAAATCCAAGATGCTCACT[C>A]CTGAGCATGTGTTTATTCATCCGGGATGGAAGCTGCTGGAAGTCCCAGAAGGACGAACCA-3'
Protein context (NP_001725.1, residues 495-515): SRLAKSKMLT[Pro505Thr]EHVFIHPGWK